The following is an entry in ClinVar:

NM_000096.4(CP):c.2650G>C (p.Asp884His)

Gene: CP (ceruloplasmin; minus strand). Cytogenetic location: 3q24.
Variant type: single nucleotide variant.
Coding change: c.2650G>C on transcript NM_000096.4 (MANE Select); coding-DNA position 2650, G replaced by C.
Protein change: p.Asp884His; replaces aspartic acid 884 with histidine.
Molecular consequence: missense variant. On other transcripts: non-coding transcript variant (1).
Genome position (GRCh38, 1-based): chr3:149,179,567, C>G on the plus strand (G>C on the coding strand, the complement: CP is on the minus strand). VCF-style: chr3-149179567-C-G. GRCh37 (hg19) VCF-style: chr3-148897354-C-G.
Other names: short protein forms D884H.
Identifiers: ClinVar variation 1495240 (VCV001495240.8), dbSNP rs2108219609, ClinGen allele CA354929935.

ClinVar aggregate classification (germline): Uncertain significance (1 of 4 stars; one submission).

Conditions:
Deficiency of ferroxidase (ACEP). Also called: Deficiency of ceruloplasmin; Aceruloplasminemia; Ceruloplasmin deficiency; Familial apoceruloplasmin deficiency; Hereditary ceruloplasmin deficiency; NEURODEGENERATION WITH BRAIN IRON ACCUMULATION 10. Identifiers: Orphanet 48818, MedGen C0878682, MONDO:0011426, OMIM 604290, HP:0025498.

Submission:

Labcorp Genetics (formerly Invitae), Labcorp
Classification: Uncertain significance for Deficiency of ferroxidase. Last evaluated: 2021-05-31. Review status: criteria provided, single submitter. Criteria: Invitae Variant Classification Sherloc (09022015). Collection method: clinical testing. Allele origin: germline.
Comment: In summary, the available evidence is currently insufficient to determine the role of this variant in disease. Therefore, it has been classified as a Variant of Uncertain Significance. Advanced modeling of protein sequence and biophysical properties (such as structural, functional, and spatial information, amino acid conservation, physicochemical variation, residue mobility, and thermodynamic stability) performed at Invitae indicates that this missense variant is expected to disrupt CP protein function. This variant has not been reported in the literature in individuals with CP-related conditions. This variant is not present in population databases (ExAC no frequency). This sequence change replaces aspartic acid with histidine at codon 884 of the CP protein (p.Asp884His). The aspartic acid residue is highly conserved and there is a moderate physicochemical difference between aspartic acid and histidine.